The following is an entry in ClinVar:

ClinVar aggregate classification (germline): Uncertain significance (1 of 4 stars; one submission).

Allele frequency attached by ClinVar (database versions not stated): gnomAD exomes below 0.00001; gnomAD 0.00001.
gnomAD v4.1: 2 of 1,613,788 alleles (0.00012%); highest among the groups gnomAD compares: African/African-American, 0.0013%; no homozygotes.

Submission:

Labcorp Genetics (formerly Invitae), Labcorp
Classification: Uncertain significance. Last evaluated: 2024-10-24. Review status: criteria provided, single submitter. Criteria: Invitae Variant Classification Sherloc (09022015). Collection method: clinical testing. Allele origin: germline.
Comment: This sequence change replaces leucine, which is neutral and non-polar, with phenylalanine, which is neutral and non-polar, at codon 102 of the ABCA4 protein (p.Leu102Phe). This variant is present in population databases (no rsID available, gnomAD 0.01%). This variant has not been reported in the literature in individuals affected with ABCA4-related conditions. ClinVar contains an entry for this variant (Variation ID: 1058616). Invitae Evidence Modeling of protein sequence and biophysical properties (such as structural, functional, and spatial information, amino acid conservation, physicochemical variation, residue mobility, and thermodynamic stability) indicates that this missense variant is expected to disrupt ABCA4 protein function with a positive predictive value of 95%. In summary, the available evidence is currently insufficient to determine the role of this variant in disease. Therefore, it has been classified as a Variant of Uncertain Significance.

NM_000350.3(ABCA4):c.306G>T (p.Leu102Phe)

Gene: ABCA4 (ATP binding cassette subfamily A member 4; minus strand). Cytogenetic location: 1p22.1.
Variant type: single nucleotide variant.
Coding change: c.306G>T on transcript NM_000350.3 (MANE Select); coding-DNA position 306, G replaced by T.
Protein change: p.Leu102Phe; replaces leucine 102 with phenylalanine.
Molecular consequence: missense variant.
Genome position (GRCh38, 1-based): chr1:94,108,713, C>A on the plus strand (G>T on the coding strand, the complement: ABCA4 is on the minus strand). VCF-style: chr1-94108713-C-A. GRCh37 (hg19) VCF-style: chr1-94574269-C-A.
Other names: c.306G>T, p.Leu102Phe (NM_001425324.1); short protein forms L102F.
Identifiers: ClinVar variation 1058616 (VCV001058616.8), dbSNP rs1054538871, ClinGen allele CA26895942.